The following is an entry in ClinVar:

ClinVar aggregate classification (germline): Uncertain significance. Review status: criteria provided, multiple submitters, no conflicts (2 of 4 stars). 3 submissions from 3 submitters: Uncertain significance (3). Last evaluated 2025-10-06.

Conditions:
Ullrich congenital muscular dystrophy 2 (UCMD2). Identifiers: Orphanet 75840, MedGen C4225314, MONDO:0014654, OMIM 616470.
Bethlem myopathy 2 (BTHLM2). Identifiers: Orphanet 536516, Orphanet 610, MedGen C4225313, MONDO:0034022, OMIM 616471.

gnomAD v4.1: 1 of 1,614,156 alleles (0.000062%); highest among the groups gnomAD compares: Admixed American, 0.0017%; no homozygotes.

Submissions (3):

Labcorp Genetics (formerly Invitae), Labcorp
Classification: Uncertain significance for Bethlem myopathy 2; Ullrich congenital muscular dystrophy 2. Last evaluated: 2025-10-06. Review status: criteria provided, single submitter. Criteria: Invitae Variant Classification Sherloc (09022015). Collection method: clinical testing. Allele origin: germline.
Comment: This sequence change replaces proline, which is neutral and non-polar, with serine, which is neutral and polar, at codon 560 of the COL12A1 protein (p.Pro560Ser). This variant is present in population databases (no rsID available, gnomAD 0.006%). This variant has not been reported in the literature in individuals affected with COL12A1-related conditions. ClinVar contains an entry for this variant (Variation ID: 1429086). Invitae Evidence Modeling of protein sequence and biophysical properties (such as structural, functional, and spatial information, amino acid conservation, physicochemical variation, residue mobility, and thermodynamic stability) indicates that this missense variant is not expected to disrupt COL12A1 protein function with a negative predictive value of 80%. In summary, the available evidence is currently insufficient to determine the role of this variant in disease. Therefore, it has been classified as a Variant of Uncertain Significance.

Dasa
Classification: Uncertain significance. Last evaluated: 2024-10-11. Review status: criteria provided, single submitter. Criteria: DASA Assertion Criteria. Collection method: clinical testing. Allele origin: germline.
Comment: NM_004370.6(COL12A1):c.1678C>T (p.Pro560Ser) is a missense variant that results in the substitution of proline with serine. This variant is rare in population databases. The currently available literature and clinical evidence are not sufficient to establish a definitive association between this variant and the reported condition. Therefore, this variant is classified as a variant of uncertain significance.

GeneDx
Classification: Uncertain significance. Last evaluated: 2023-05-16. Review status: criteria provided, single submitter. Criteria: GeneDx Variant Classification Process June 2021. Collection method: clinical testing. Allele origin: germline. Affected: yes.
Comment: Has not been previously published as pathogenic or benign to our knowledge; In silico analysis supports that this missense variant does not alter protein structure/function

NM_004370.6(COL12A1):c.1678C>T (p.Pro560Ser)

Gene: COL12A1 (collagen type XII alpha 1 chain; minus strand). Cytogenetic location: 6q13.
Variant type: single nucleotide variant.
Coding change: c.1678C>T on transcript NM_004370.6 (MANE Select); coding-DNA position 1678, C replaced by T.
Protein change: p.Pro560Ser; replaces proline 560 with serine.
Molecular consequence: missense variant. On other transcripts: intron variant (1).
Genome position (GRCh38, 1-based): chr6:75,183,263, G>A on the plus strand (C>T on the coding strand, the complement: COL12A1 is on the minus strand). VCF-style: chr6-75183263-G-A. GRCh37 (hg19) VCF-style: chr6-75892979-G-A.
Other names: c.73+19457C>T (NM_080645.3); c.1678C>T (NM_004370.5); short protein forms P560S.
Identifiers: ClinVar variation 1429086 (VCV001429086.9), dbSNP rs775466928, ClinGen allele CA364769021.
Genomic context (GRCh38, chr6:75,183,263, plus strand): 5'-CGGCATCCTTCACACCAACTGCAAAGATTTCAACATCTGAATTCCTCAGTTTTATCGCAG[G>A]ATCTCTGAAAGCATCTGATGATTTCCCATCCGTGATAAGAATCATGACCTTTGGCACATT-3'
Protein context (NP_004361.3, residues 550-570): DGKSSDAFRD[Pro560Ser]AIKLRNSDVE